The following is an entry in ClinVar:

NM_000271.5(NPC1):c.395del (p.Pro132fs)

Gene: NPC1 (NPC intracellular cholesterol transporter 1; minus strand). Cytogenetic location: 18q11.2.
Variant type: Deletion.
Coding change: c.395del on transcript NM_000271.5 (MANE Select); coding-DNA position 395, one base deleted (C; older notation c.395delC).
Protein change: p.Pro132fs; shifts the reading frame from proline 132.
Molecular consequence: frameshift variant.
Genome position (GRCh38, 1-based): chr18:23,568,891, G deleted on the plus strand (C on the coding strand, the reverse complement: NPC1 is on the minus strand); the first of 2 consecutive G bases (chr18:23,568,891-23,568,892); deleting either gives the same sequence. VCF-style (leftmost placement, unchanged base first): chr18-23568890-AG-A. GRCh37 (hg19) VCF-style: chr18-21148854-AG-A.
Other names: c.395del (NM_000271.4); short protein forms P132fs.
Identifiers: ClinVar variation 370404 (VCV000370404.9), dbSNP rs1057516462, ClinGen allele CA16041925.
Genomic context (GRCh38, chr18:23,568,890, plus strand): 5'-AAAACTCTGTCCGACGTAGTATTGTAACTCTTTCACATTTGTTTTCGTCTGGTTTGTAAC[AG>A]GATCAACATAATCTTCAGTAGCTGTAACATTCAAAAACTGACTCTGTCGAGGGCTACATG-3'

ClinVar aggregate classification (germline): Pathogenic. Review status: criteria provided, multiple submitters, no conflicts (2 of 4 stars). 4 submissions from 4 submitters: Pathogenic (3). 1 of the submissions does not count toward it. Last evaluated 2025-07-29.

Conditions:
Niemann-Pick disease, type C (NPC). Identifiers: Orphanet 646, MedGen C0220756, MONDO:0018982.
Niemann-Pick disease, type C1. Also called: NEUROVISCERAL STORAGE DISEASE WITH VERTICAL SUPRANUCLEAR OPHTHALMOPLEGIA; NIEMANN-PICK DISEASE WITH CHOLESTEROL ESTERIFICATION BLOCK; NIEMANN-PICK DISEASE WITHOUT SPHINGOMYELINASE DEFICIENCY; NIEMANN-PICK DISEASE, CHRONIC NEURONOPATHIC FORM; NIEMANN-PICK DISEASE, VARIANT TYPE C1. Identifiers: Orphanet 646, MedGen C3179455, MONDO:0009757, OMIM 257220.

Submissions (4):

Natera, Inc.
Classification: Pathogenic for Niemann-Pick disease type C1. Last evaluated: 2025-07-29. Review status: criteria provided, single submitter. Criteria: Natera Variant Classification Schema (03/2026). Collection method: clinical testing. Allele origin: germline.
Comment: The c.395del variant in NPC1 is a frameshift variant predicted to shift the reading frame beginning at codon 132 and leads to a stop codon 10 codons downstream. This variant is expected to result in nonsense mediated decay, truncation, or a dysfunctional protein product. This variant is rare in the general population with a frequency below the threshold expected for the associated phenotype(s). This variant has been observed in one or more individuals affected with the associated recessive disease, as either homozygous or compound heterozygous with a second variant (PMID: 20882348). Given the available evidence, this variant is classified as Pathogenic.

Labcorp Genetics (formerly Invitae), Labcorp
Classification: Pathogenic for Niemann-Pick disease, type C1. Last evaluated: 2023-11-06. Review status: criteria provided, single submitter. Criteria: Invitae Variant Classification Sherloc (09022015). Collection method: clinical testing. Allele origin: germline.
Comment: This sequence change creates a premature translational stop signal (p.Pro132Leufs*10) in the NPC1 gene. It is expected to result in an absent or disrupted protein product. Loss-of-function variants in NPC1 are known to be pathogenic (PMID: 9211850). This variant is not present in population databases (gnomAD no frequency). This premature translational stop signal has been observed in individual(s) with Niemann-Pick disease type C (PMID: 11349231). This variant is also known as 394delC. ClinVar contains an entry for this variant (Variation ID: 370404). For these reasons, this variant has been classified as Pathogenic.

Women's Health and Genetics/Laboratory Corporation of America, LabCorp
Classification: Pathogenic for Niemann-Pick disease, type C. Last evaluated: 2019-10-17. Review status: criteria provided, single submitter. Criteria: LabCorp Variant Classification Summary - May 2015. Collection method: clinical testing. Allele origin: germline.
Comment: Variant summary: NPC1 c.395delC (p.Pro132LeufsX10) results in a premature termination codon, predicted to cause a truncation of the encoded protein or absence of the protein due to nonsense mediated decay, which are commonly known mechanisms for disease. Truncations downstream of this position have been classified as pathogenic by our laboratory. The variant was absent in 251404 control chromosomes (gnomAD). c.395delC has been reported in the literature in individuals affected with Niemann-Pick Disease Type C (e.g. Sun_2001, Park_2003, Paciorkowski_2008, Garver_2010, Lo_2010). These data indicate that the variant is likely to be associated with disease. Fibroblasts from individuals with this variant showed markedly reduced levels of intracellular cholesterol esterification (e.g. Sun_2001, Lo_2010). A ClinVar submission (evaluation after 2014) cite the variant as likely pathogenic. Based on the evidence outlined above, the variant was classified as pathogenic.

Counsyl
Classification: Likely pathogenic for Niemann-Pick disease, type C1. Last evaluated: 2016-02-02. Review status: no assertion criteria provided. Collection method: clinical testing. Allele origin: unknown. Not counted in ClinVar's aggregate classification.

Literature cited by the submitters: PubMed 20882348 (cited by Natera, Inc. and Women's Health and Genetics/Laboratory Corporation of America, LabCorp); PubMed 9211850 (cited by Labcorp Genetics (formerly Invitae), Labcorp); PubMed 11349231 (cited by 3 submitters); PubMed 19744920 (cited by Women's Health and Genetics/Laboratory Corporation of America, LabCorp); PubMed 12955717 (cited by Women's Health and Genetics/Laboratory Corporation of America, LabCorp); PubMed 17973331 (cited by Women's Health and Genetics/Laboratory Corporation of America, LabCorp).